The following is an entry in ClinVar:

NM_015338.6(ASXL1):c.2981C>A (p.Pro994His)

Gene: ASXL1 (ASXL transcriptional regulator 1; plus strand). Cytogenetic location: 20q11.21.
Variant type: single nucleotide variant.
Coding change: c.2981C>A on transcript NM_015338.6 (MANE Select); coding-DNA position 2981, C replaced by A.
Protein change: p.Pro994His; replaces proline 994 with histidine.
Molecular consequence: missense variant.
Genome position (GRCh38, 1-based): chr20:32,435,693, C>A. VCF-style: chr20-32435693-C-A. GRCh37 (hg19) VCF-style: chr20-31023496-C-A.
Other names: c.2798C>A, p.Pro933His (NM_001363734.1); short protein forms P933H, P994H.
Identifiers: ClinVar variation 3439516 (VCV003439516.1).

ClinVar aggregate classification (germline): Uncertain significance (1 of 4 stars; one submission).

Conditions:
Inborn genetic diseases. Identifiers: MedGen C0950123, MeSH D030342.

Submission:

Ambry Genetics
Classification: Uncertain significance for Inborn genetic diseases. Last evaluated: 2024-12-06. Review status: criteria provided, single submitter. Criteria: Ambry Variant Classification Scheme 2023. Collection method: clinical testing. Allele origin: germline.
Comment: The p.P994H variant (also known as c.2981C>A), located in coding exon 13 of the ASXL1 gene, results from a C to A substitution at nucleotide position 2981. The proline at codon 994 is replaced by histidine, an amino acid with similar properties. This amino acid position is conserved. In addition, this alteration is predicted to be tolerated by in silico analysis. Based on the available evidence, the clinical significance of this variant remains unclear.